The following is an entry in ClinVar:

ClinVar aggregate classification (germline): Conflicting classifications of pathogenicity. Review status: criteria provided, conflicting classifications (1 of 4 stars). 2 submissions from 2 submitters: Uncertain significance (1); Likely benign (1). Last evaluated 2025-09-01.

Conditions:
Inborn genetic diseases. Identifiers: MedGen C0950123, MeSH D030342.

Allele frequency attached by ClinVar (database versions not stated): gnomAD exomes 0.00002 and 0.00003; gnomAD 0.00003 and 0.00004; ExAC 0.00004; TOPMed 0.00004; ESP Exome Variant Server 0.00008.

Submissions (2):

Ambry Genetics
Classification: Likely benign for Inborn genetic diseases. Last evaluated: 2025-09-01. Review status: criteria provided, single submitter. Criteria: Ambry Variant Classification Scheme 2023. Collection method: clinical testing. Allele origin: germline.

Labcorp Genetics (formerly Invitae), Labcorp
Classification: Uncertain significance. Last evaluated: 2024-02-24. Review status: criteria provided, single submitter. Criteria: Invitae Variant Classification Sherloc (09022015). Collection method: clinical testing. Allele origin: germline.
Comment: This sequence change replaces arginine, which is basic and polar, with tryptophan, which is neutral and slightly polar, at codon 106 of the PIGV protein (p.Arg106Trp). This variant is present in population databases (rs372631555, gnomAD 0.005%). This variant has not been reported in the literature in individuals affected with PIGV-related conditions. ClinVar contains an entry for this variant (Variation ID: 1522861). Advanced modeling of protein sequence and biophysical properties (such as structural, functional, and spatial information, amino acid conservation, physicochemical variation, residue mobility, and thermodynamic stability) performed at Invitae indicates that this missense variant is not expected to disrupt PIGV protein function with a negative predictive value of 80%. In summary, the available evidence is currently insufficient to determine the role of this variant in disease. Therefore, it has been classified as a Variant of Uncertain Significance.

NM_017837.4(PIGV):c.316C>T (p.Arg106Trp)

Gene: PIGV (phosphatidylinositol glycan anchor biosynthesis class V; plus strand). Cytogenetic location: 1p36.11.
Variant type: single nucleotide variant.
Coding change: c.316C>T on transcript NM_017837.4 (MANE Select); coding-DNA position 316, C replaced by T.
Protein change: p.Arg106Trp; replaces arginine 106 with tryptophan.
Molecular consequence: missense variant. On other transcripts: 5 prime UTR variant (1), non-coding transcript variant (1), intron variant (3).
Genome position (GRCh38, 1-based): chr1:26,794,350, C>T. VCF-style: chr1-26794350-C-T. GRCh37 (hg19) VCF-style: chr1-27120841-C-T.
Other names: c.316C>T, p.Arg106Trp (NM_001202554.2, NM_001374478.1, NM_001374480.1 and 2 more transcripts); c.-66C>T (NM_001374483.1); c.172+144C>T (NM_001374484.1, NM_001374485.1); c.79-3213C>T (NM_001374486.1); c.316C>T (NM_017837.3); short protein forms R106W.
Identifiers: ClinVar variation 1522861 (VCV001522861.9), dbSNP rs372631555, ClinGen allele CA708035.
Genomic context (GRCh38, chr1:26,794,350, plus strand): 5'-GCCTTCTTTCCTGGTTTCCCCTTGGCCCTGCTGGTGGGGACTGAACTGTTGAGACCCTTA[C>T]GGGGGTTACTGAGTCTACGCAGTTGCCTGCTGATTTCGGTAGCATCACTCAATTTCTTGT-3'
Protein context (NP_060307.2, residues 96-116): LVGTELLRPL[Arg106Trp]GLLSLRSCLL